The following is an entry in ClinVar:

NM_144672.4(OTOA):c.698C>T (p.Ser233Phe)

Gene: OTOA (otoancorin). Cytogenetic location: 16p12.2.
Variant type: single nucleotide variant.
Coding change: c.698C>T on transcript NM_144672.4 (MANE Select); coding-DNA position 698, C replaced by T.
Protein change: p.Ser233Phe; replaces serine 233 with phenylalanine.
Molecular consequence: missense variant.
Genome position (GRCh38, 1-based): chr16:21,691,646, C>T. VCF-style: chr16-21691646-C-T. GRCh37 (hg19) VCF-style: chr16-21702967-C-T.
Other names: c.461C>T, p.Ser154Phe (NM_001161683.2); short protein forms S154F, S233F.
Identifiers: ClinVar variation 3362014 (VCV003362014.1).

ClinVar aggregate classification (germline): Uncertain significance (1 of 4 stars; one submission).

gnomAD v4.1: 1 of 1,613,954 alleles (0.000062%); highest among the groups gnomAD compares: Non-Finnish European, 0.000085%; no homozygotes.

Submission:

GeneDx
Classification: Uncertain significance. Last evaluated: 2023-05-26. Review status: criteria provided, single submitter. Criteria: GeneDx Variant Classification Process June 2021. Collection method: clinical testing. Allele origin: germline. Affected: yes.
Comment: Not observed at significant frequency in large population cohorts (gnomAD); In silico analysis supports that this missense variant does not alter protein structure/function; Has not been previously published as pathogenic or benign to our knowledge